The following is an entry in ClinVar:

ClinVar aggregate classification (germline): Uncertain significance (1 of 4 stars; one submission).

Submission:

Women's Health and Genetics/Laboratory Corporation of America, LabCorp
Classification: Uncertain significance. Last evaluated: 2021-07-13. Review status: criteria provided, single submitter. Criteria: LabCorp Variant Classification Summary - May 2015. Collection method: clinical testing. Allele origin: germline.
Comment: Variant summary: CASR c.1258G>A (p.Val420Met) results in a conservative amino acid change located in the Receptor, ligand binding region domain (IPR001828) of the encoded protein sequence. Four of five in-silico tools predict a damaging effect of the variant on protein function. The variant was absent in 251410 control chromosomes (gnomAD). The available data on variant occurrences in the general population are insufficient to allow any conclusion about variant significance. c.1258G>A has been reported in the literature in an individual affected with hypercalcemia (Nissen_2019). This report does not provide unequivocal conclusions about association of the variant with Familial Hypocalciuric Hypercalcemia. To our knowledge, no experimental evidence demonstrating an impact on protein function has been reported. No clinical diagnostic laboratories have submitted clinical-significance assessments for this variant to ClinVar after 2014. Based on the evidence outlined above, the variant was classified as uncertain significance.

Literature cited by the submitters: PubMed 31433865.

NM_000388.4(CASR):c.1258G>A (p.Val420Met)

Gene: CASR (calcium sensing receptor; plus strand). Cytogenetic location: 3q21.1.
Variant type: single nucleotide variant.
Coding change: c.1258G>A on transcript NM_000388.4 (MANE Select); coding-DNA position 1258, G replaced by A.
Protein change: p.Val420Met; replaces valine 420 with methionine.
Molecular consequence: missense variant.
Genome position (GRCh38, 1-based): chr3:122,262,293, G>A. VCF-style: chr3-122262293-G-A. GRCh37 (hg19) VCF-style: chr3-121981140-G-A.
Other names: c.1258G>A, p.Val420Met (NM_001178065.2); short protein forms V420M.
Identifiers: ClinVar variation 1192263 (VCV001192263.1), dbSNP rs2107633175, ClinGen allele CA354152935.